The following is an entry in ClinVar:

NM_022835.3(PLEKHG2):c.882+12G>A

Gene: PLEKHG2 (pleckstrin homology and RhoGEF domain containing G2; plus strand). Cytogenetic location: 19q13.2.
Variant type: single nucleotide variant.
Coding change: c.882+12G>A on transcript NM_022835.3 (MANE Select); 12 bases into the intron after coding-DNA position 882, G replaced by A.
Molecular consequence: intron variant.
Genome position (GRCh38, 1-based): chr19:39,417,704, G>A. VCF-style: chr19-39417704-G-A. GRCh37 (hg19) VCF-style: chr19-39908344-G-A.
Other names: c.705+12G>A (NM_001351693.2); c.882+12G>A (NM_001351694.2).
Identifiers: ClinVar variation 5019266 (VCV005019266.2).

ClinVar aggregate classification (germline): Uncertain significance (1 of 4 stars; one submission).

Conditions:
Leukodystrophy and acquired microcephaly with or without dystonia;. Also called: Leukodystrophy and acquired microcephaly with or without dystonia. Identifiers: MedGen C4225213, MONDO:0014766, OMIM 616763.

Submission:

Juno Genomics, Hangzhou Juno Genomics, Inc
Classification: Uncertain significance for Leukodystrophy and acquired microcephaly with or without dystonia;. Review status: criteria provided, single submitter. Criteria: ACMG Guidelines, 2015. Collection method: clinical testing. Allele origin: germline.
Comment: Absent from controls (or at extremely low frequency if recessive) in Genome Aggregation Database.;Multiple lines of computational evidence support a deleterious effect on the gene or gene product.